The following is an entry in ClinVar:

NM_206933.4(USH2A):c.1623G>A (p.Glu541=)

Gene: USH2A (usherin; minus strand). Cytogenetic location: 1q41.
Variant type: single nucleotide variant.
Coding change: c.1623G>A on transcript NM_206933.4 (MANE Select); coding-DNA position 1623, G replaced by A.
Protein change: p.Glu541=; no amino-acid change (glutamic acid 541 retained).
Molecular consequence: synonymous variant.
Genome position (GRCh38, 1-based): chr1:216,321,904, C>T on the plus strand (G>A on the coding strand, the complement: USH2A is on the minus strand). VCF-style: chr1-216321904-C-T. GRCh37 (hg19) VCF-style: chr1-216495246-C-T.
Other names: c.1623G>A, p.Glu541= (NM_007123.6).
Identifiers: ClinVar variation 228208 (VCV000228208.19), dbSNP rs146805130, ClinGen allele CA1396456.
Genomic context (GRCh38, chr1:216,321,904, plus strand): 5'-ATTTTTTTTTTAGATTTCCATGCATAAAATAGAACTCACATGAAGTCCTTCAGTGAAGCT[C>T]TCCTGGGAGCAGAGGCATCTATATGGCTGGCTTGTTGTGTCGCAGTTATCGGCATGACCA-3'
Protein context (NP_996816.3, residues 531-551): SQPYRCLCSQ[Glu541=]SFTEGLHCDR

ClinVar aggregate classification (germline): Likely benign. Review status: criteria provided, multiple submitters, no conflicts (2 of 4 stars). 8 submissions from 7 submitters: Likely benign (7). 1 of the submissions does not count toward it. Last evaluated 2026-01-18.

Conditions:
Retinitis pigmentosa 39 (RP39). Identifiers: Orphanet 791, MedGen C3151138, MONDO:0013436, OMIM 613809.
Usher syndrome type 2A. Also called: RETINAL DISEASE IN USHER SYNDROME TYPE IIA, MODIFIER OF; USHER SYNDROME, TYPE IIA. Identifiers: Orphanet 231178, Orphanet 886, MedGen C1848634, MONDO:0010169, OMIM 276901.

Allele frequency attached by ClinVar (database versions not stated): ExAC 0.00012; gnomAD exomes 0.00012; TOPMed 0.00012; ESP Exome Variant Server 0.00015.
gnomAD v4.1: 120 of 1,613,778 alleles (0.0074%); highest among the groups gnomAD compares: Middle Eastern, 0.066%; no homozygotes.

Submissions (8):

Labcorp Genetics (formerly Invitae), Labcorp
Classification: Likely benign. Last evaluated: 2026-01-18. Review status: criteria provided, single submitter. Criteria: Invitae Variant Classification Sherloc (09022015). Collection method: clinical testing. Allele origin: germline.

Blueprint Genetics
Classification: Likely benign. Last evaluated: 2024-11-25. Review status: criteria provided, single submitter. Criteria: ACMG Guidelines, 2015. Collection method: clinical testing. Allele origin: germline.

Women's Health and Genetics/Laboratory Corporation of America, LabCorp
Classification: Likely benign. Last evaluated: 2024-05-09. Review status: criteria provided, single submitter. Criteria: LabCorp Variant Classification Summary - May 2015. Collection method: clinical testing. Allele origin: germline.

Genome-Nilou Lab
Classification: Likely benign for Retinitis pigmentosa 39. Last evaluated: 2023-11-04. Review status: criteria provided, single submitter. Criteria: ACMG Guidelines, 2015. Collection method: clinical testing. Allele origin: germline. Affected: no.

Genome-Nilou Lab
Classification: Likely benign for Usher syndrome type 2A. Last evaluated: 2023-11-04. Review status: criteria provided, single submitter. Criteria: ACMG Guidelines, 2015. Collection method: clinical testing. Allele origin: germline. Affected: no.

Laboratory for Molecular Medicine, Mass General Brigham Personalized Medicine
Classification: Likely benign. Last evaluated: 2012-04-30. Review status: criteria provided, single submitter. Criteria: LMM Criteria. Collection method: clinical testing. Allele origin: germline. Observed: 1 variant allele.
Comment: Glu541Glu in Exon 09 of USH2A: This variant is not expected to have clinical sig nificance because it does not alter an amino acid residue, is not located within the splice consensus sequence, and has been identified in 1/7020 European Ameri can chromosomes from a broad population by the NHLBI Exome Sequencing Project (dbSNP rs146805130).

Breakthrough Genomics
Classification: Likely benign. Review status: criteria provided, single submitter. Criteria: ACMG Guidelines, 2015. Collection method: not provided. Allele origin: germline. Inheritance: Autosomal recessive inheritance. Affected: yes.

Counsyl
Classification: Likely benign for Usher syndrome type 2A; Retinitis pigmentosa 39. Last evaluated: 2017-01-05. Review status: no assertion criteria provided. Collection method: clinical testing. Allele origin: unknown. Not counted in ClinVar's aggregate classification.